The following is an entry in ClinVar:

ClinVar aggregate classification (germline): Benign/Likely benign. Review status: criteria provided, multiple submitters, no conflicts (2 of 4 stars). 4 submissions from 4 submitters: Benign (3); Likely benign (1). Last evaluated 2026-01-28.

Conditions:
Tuberous sclerosis 1 (TSC1). Identifiers: Orphanet 805, MedGen C1854465, MONDO:0008612, OMIM 191100.

Allele frequency attached by ClinVar (database versions not stated): gnomAD exomes 0.00003 and 0.00006; ExAC 0.00007; 1000 Genomes Project 30x 0.00016; 1000 Genomes Project 0.00020; ESP Exome Variant Server 0.00031; TOPMed 0.00034; gnomAD 0.00035 and 0.00037.
gnomAD v4.1: 99 of 1,613,626 alleles (0.0061%); highest among the groups gnomAD compares: African/African-American, 0.13%; no homozygotes.

Submissions (4):

Labcorp Genetics (formerly Invitae), Labcorp
Classification: Benign for Tuberous sclerosis 1. Last evaluated: 2026-01-28. Review status: criteria provided, single submitter. Criteria: Invitae Variant Classification Sherloc (09022015). Collection method: clinical testing. Allele origin: germline.

Myriad Genetics, Inc.
Classification: Benign for Tuberous sclerosis 1. Last evaluated: 2024-09-05. Review status: criteria provided, single submitter. Criteria: Myriad Autosomal Dominant, Autosomal Recessive and X-Linked Classification Criteria (2023). Collection method: clinical testing. Allele origin: unknown.
Comment: This variant is considered benign. This variant is intronic and is not expected to impact mRNA splicing. Homozygosity has been confirmed in one or more individuals. As homozygosity for pathogenic variants in this gene is generally assumed to result in embryonic lethality, this variant is unlikely to be pathogenic. This variant has been observed at a population frequency that is significantly greater than expected given the associated disease prevalence and penetrance.

Blueprint Genetics
Classification: Likely benign. Last evaluated: 2023-09-14. Review status: criteria provided, single submitter. Criteria: ACMG Guidelines, 2015. Collection method: clinical testing. Allele origin: germline.

GeneDx
Classification: Benign. Last evaluated: 2014-03-24. Review status: criteria provided, single submitter. Criteria: GeneDx Variant Classification (06012015). Collection method: clinical testing. Allele origin: germline. Affected: yes.
Comment: This variant is considered likely benign or benign based on one or more of the following criteria: it is a conservative change, it occurs at a poorly conserved position in the protein, it is predicted to be benign by multiple in silico algorithms, and/or has population frequency not consistent with disease.

NM_000368.5(TSC1):c.1998-19T>G

Gene: TSC1 (TSC complex subunit 1; minus strand). Cytogenetic location: 9q34.13.
Variant type: single nucleotide variant.
Coding change: c.1998-19T>G on transcript NM_000368.5 (MANE Select); 19 bases into the intron before coding-DNA position 1998, T replaced by G.
Molecular consequence: intron variant.
Genome position (GRCh38, 1-based): chr9:132,904,473, A>C on the plus strand (T>G on the coding strand, the complement: TSC1 is on the minus strand). VCF-style: chr9-132904473-A-C. GRCh37 (hg19) VCF-style: chr9-135779860-A-C.
Other names: c.1635-19T>G (NM_001362177.2); c.1845-19T>G (NM_001162427.2); c.1995-19T>G (NM_001162426.2).
Identifiers: ClinVar variation 137732 (VCV000137732.11), dbSNP rs184408837, ClinGen allele CA005723.